The following is an entry in ClinVar:

ClinVar aggregate classification (germline): Uncertain significance (1 of 4 stars; one submission).

Conditions:
Dyskeratosis congenita, autosomal recessive 6 (DKCB6). Identifiers: MedGen C4225356, MONDO:0014600, OMIM 616353.
Pulmonary fibrosis and/or bone marrow failure, Telomere-related, 4. Also called: PULMONARY FIBROSIS AND/OR BONE MARROW FAILURE SYNDROME, TELOMERE-RELATED, 4. Identifiers: Orphanet 2032, MedGen C4225347, MONDO:0014612, OMIM 616371.

Allele frequency attached by ClinVar (database versions not stated): gnomAD exomes below 0.00001.
gnomAD v4.1: 3 of 1,608,634 alleles (0.00019%); highest among the groups gnomAD compares: Admixed American, 0.0033%; no homozygotes.

Submission:

Labcorp Genetics (formerly Invitae), Labcorp
Classification: Uncertain significance for Dyskeratosis congenita, autosomal recessive 6; Pulmonary fibrosis and/or bone marrow failure, Telomere-related, 4. Last evaluated: 2024-03-27. Review status: criteria provided, single submitter. Criteria: Invitae Variant Classification Sherloc (09022015). Collection method: clinical testing. Allele origin: germline.
Comment: This sequence change replaces isoleucine, which is neutral and non-polar, with leucine, which is neutral and non-polar, at codon 406 of the PARN protein (p.Ile406Leu). This variant is not present in population databases (gnomAD no frequency). This variant has not been reported in the literature in individuals affected with PARN-related conditions. ClinVar contains an entry for this variant (Variation ID: 2191686). Advanced modeling of protein sequence and biophysical properties (such as structural, functional, and spatial information, amino acid conservation, physicochemical variation, residue mobility, and thermodynamic stability) performed at Invitae indicates that this missense variant is not expected to disrupt PARN protein function with a negative predictive value of 80%. In summary, the available evidence is currently insufficient to determine the role of this variant in disease. Therefore, it has been classified as a Variant of Uncertain Significance.

NM_002582.4(PARN):c.1216A>C (p.Ile406Leu)

Gene: PARN (poly(A)-specific ribonuclease; minus strand). Cytogenetic location: 16p13.12.
Variant type: single nucleotide variant.
Coding change: c.1216A>C on transcript NM_002582.4 (MANE Select); coding-DNA position 1216, A replaced by C.
Protein change: p.Ile406Leu; replaces isoleucine 406 with leucine.
Molecular consequence: missense variant.
Genome position (GRCh38, 1-based): chr16:14,580,920, T>G on the plus strand (A>C on the coding strand, the complement: PARN is on the minus strand). VCF-style: chr16-14580920-T-G. GRCh37 (hg19) VCF-style: chr16-14674777-T-G.
Other names: c.1033A>C, p.Ile345Leu (NM_001134477.3); c.1078A>C, p.Ile360Leu (NM_001242992.2); short protein forms I345L, I360L, I406L.
Identifiers: ClinVar variation 2191686 (VCV002191686.4), dbSNP rs1205344643, ClinGen allele CA394821951.